The following is an entry in ClinVar:

NM_001854.4(COL11A1):c.3495A>G (p.Gly1165=)

Gene: COL11A1 (collagen type XI alpha 1 chain; minus strand). Cytogenetic location: 1p21.1.
Variant type: single nucleotide variant.
Coding change: c.3495A>G on transcript NM_001854.4 (MANE Select); coding-DNA position 3495, A replaced by G.
Protein change: p.Gly1165=; no amino-acid change (glycine 1165 retained).
Molecular consequence: synonymous variant. On other transcripts: non-coding transcript variant (1).
Genome position (GRCh38, 1-based): chr1:102,934,554, T>C on the plus strand (A>G on the coding strand, the complement: COL11A1 is on the minus strand). VCF-style: chr1-102934554-T-C. GRCh37 (hg19) VCF-style: chr1-103400110-T-C.
Other names: c.3378A>G, p.Gly1126= (NM_001190709.2); c.3531A>G, p.Gly1177= (NM_080629.3); c.3147A>G, p.Gly1049= (NM_080630.4).
Identifiers: ClinVar variation 513260 (VCV000513260.4), dbSNP rs1553208812, ClinGen allele CA419201761.

ClinVar aggregate classification (germline): Likely benign. Review status: criteria provided, multiple submitters, no conflicts (2 of 4 stars). 2 submissions from 2 submitters: Likely benign (2). Last evaluated 2023-12-15.

Allele frequency attached by ClinVar (database versions not stated): gnomAD exomes below 0.00001.
gnomAD v4.1: 1 of 1,610,948 alleles (0.000062%); highest among the groups gnomAD compares: Non-Finnish European, 0.000085%; no homozygotes.

Submissions (2):

Labcorp Genetics (formerly Invitae), Labcorp
Classification: Likely benign. Last evaluated: 2023-12-15. Review status: criteria provided, single submitter. Criteria: Invitae Variant Classification Sherloc (09022015). Collection method: clinical testing. Allele origin: germline.

GeneDx
Classification: Likely benign. Last evaluated: 2017-11-15. Review status: criteria provided, single submitter. Criteria: GeneDx Variant Classification (06012015). Collection method: clinical testing. Allele origin: germline. Affected: yes.
Comment: This variant is considered likely benign or benign based on one or more of the following criteria: it is a conservative change, it occurs at a poorly conserved position in the protein, it is predicted to be benign by multiple in silico algorithms, and/or has population frequency not consistent with disease.